The following is an entry in ClinVar:

ClinVar aggregate classification (germline): Pathogenic (1 of 4 stars; one submission).

Conditions:
Joubert syndrome. Also called: CEREBELLOPARENCHYMAL DISORDER IV; JOUBERT-BOLTSHAUSER SYNDROME; Familial aplasia of the vermis. Identifiers: Orphanet 475, MedGen C5979921, MONDO:0018772.
Nephronophthisis. Also called: Juvenile Nephronophthisis. Identifiers: Orphanet 655, MedGen C0687120, MONDO:0019005, HP:0000090.
Meckel-Gruber syndrome. Also called: DYSENCEPHALIA SPLANCHNOCYSTICA; GRUBER SYNDROME; Dysencephalia splachnocystica. Identifiers: Orphanet 564, MedGen C0265215, MONDO:0018921.

Submission:

Labcorp Genetics (formerly Invitae), Labcorp
Classification: Pathogenic for Joubert syndrome; Meckel-Gruber syndrome; Nephronophthisis. Last evaluated: 2023-07-16. Review status: criteria provided, single submitter. Criteria: Invitae Variant Classification Sherloc (09022015). Collection method: clinical testing. Allele origin: germline.
Comment: This sequence change creates a premature translational stop signal (p.Gln852*) in the CEP290 gene. It is expected to result in an absent or disrupted protein product. Loss-of-function variants in CEP290 are known to be pathogenic (PMID: 16909394, 17345604, 20690115). This variant is not present in population databases (gnomAD no frequency). This variant has not been reported in the literature in individuals affected with CEP290-related conditions. For these reasons, this variant has been classified as Pathogenic.

Literature cited by the submitters: PubMed 16909394; PubMed 17345604; PubMed 20690115.

NM_025114.4(CEP290):c.2554C>T (p.Gln852Ter)

Gene: CEP290 (centrosomal protein 290; minus strand). Cytogenetic location: 12q21.32.
Variant type: single nucleotide variant.
Coding change: c.2554C>T on transcript NM_025114.4 (MANE Select); coding-DNA position 2554, C replaced by T.
Protein change: p.Gln852Ter; replaces glutamine 852 with a stop codon.
Molecular consequence: nonsense.
Genome position (GRCh38, 1-based): chr12:88,107,028, G>A on the plus strand (C>T on the coding strand, the complement: CEP290 is on the minus strand). VCF-style: chr12-88107028-G-A. GRCh37 (hg19) VCF-style: chr12-88500805-G-A.
Other names: short protein forms Q852*.
Identifiers: ClinVar variation 2949889 (VCV002949889.3), dbSNP rs886038694, ClinGen allele CA385971803.
Genomic context (GRCh38, chr12:88,107,028, plus strand): 5'-ATACTAATGTTAAAAATGTTTTACTTACATTATATTCTTTTACTTTTATAGCATCTTGTT[G>A]GACTTGATCCTCAAGTTTTCTCTTTTCCTCTTTTATTGTTTTAGATTCTGTTTTCCAGGT-3'